The following is an entry in ClinVar:

ClinVar aggregate classification (germline): Likely benign. Review status: criteria provided, multiple submitters, no conflicts (2 of 4 stars). 2 submissions from 2 submitters: Likely benign (2). Last evaluated 2025-08-29.

Conditions:
Left ventricular noncompaction 8 (LVNC8). Identifiers: Orphanet 154, Orphanet 54260, MedGen C3809288, MONDO:0014152, OMIM 615373.

Allele frequency attached by ClinVar (database versions not stated): gnomAD exomes 0.00001 and 0.00002; TOPMed 0.00001.
gnomAD v4.1: 27 of 1,613,318 alleles (0.0017%); highest among the groups gnomAD compares: Non-Finnish European, 0.0021%; no homozygotes.

Submissions (2):

Labcorp Genetics (formerly Invitae), Labcorp
Classification: Likely benign for Left ventricular noncompaction 8. Last evaluated: 2025-08-29. Review status: criteria provided, single submitter. Criteria: Invitae Variant Classification Sherloc (09022015). Collection method: clinical testing. Allele origin: germline.

CeGaT Center for Human Genetics Tuebingen
Classification: Likely benign. Last evaluated: 2023-01-01. Review status: criteria provided, single submitter. Criteria: CeGaT Center For Human Genetics Tuebingen Variant Classification Criteria Version 2. Collection method: clinical testing. Allele origin: germline. Affected: yes. Observed: 1 variant allele.
Comment: PRDM16: BP4, BP7

NM_022114.4(PRDM16):c.3210C>T (p.Asp1070=)

Gene: PRDM16 (PR/SET domain 16; plus strand). Cytogenetic location: 1p36.32.
Variant type: single nucleotide variant.
Coding change: c.3210C>T on transcript NM_022114.4 (MANE Select); coding-DNA position 3210, C replaced by T.
Protein change: p.Asp1070=; no amino-acid change (aspartic acid 1070 retained).
Molecular consequence: synonymous variant.
Genome position (GRCh38, 1-based): chr1:3,426,151, C>T. VCF-style: chr1-3426151-C-T. GRCh37 (hg19) VCF-style: chr1-3342715-C-T.
Other names: c.3210C>T, p.Asp1070= (NM_199454.3).
Identifiers: ClinVar variation 1078536 (VCV001078536.32), dbSNP rs1408885025, ClinGen allele CA415537024.